The following is an entry in ClinVar:

ClinVar aggregate classification (germline): Pathogenic (1 of 4 stars; one submission).

Conditions:
Hereditary cancer-predisposing syndrome. Also called: Neoplastic Syndromes, Hereditary; Tumor predisposition; Hereditary neoplastic syndrome; Hereditary Cancer Syndrome. Identifiers: Orphanet 140162, MedGen C0027672, MeSH D009386, MONDO:0015356.
Cardiovascular phenotype. Identifiers: MedGen CN230736.

Submission:

Ambry Genetics
Classification: Pathogenic for Cardiovascular phenotype; Hereditary cancer-predisposing syndrome. Last evaluated: 2018-11-27. Review status: criteria provided, single submitter. Criteria: Ambry Variant Classification Scheme 2023. Collection method: clinical testing. Allele origin: germline.
Comment: The c.5766_5767insTG pathogenic mutation, located in coding exon 39 of the NF1 gene, results from an insertion of two nucleotides at position 5766, causing a translational frameshift with a predicted alternate stop codon (p.L1923Cfs*7). This alteration is expected to result in loss of function by premature protein truncation or nonsense-mediated mRNA decay. As such, this alteration is interpreted as a disease-causing mutation.

NM_001042492.3(NF1):c.5829_5830insTG (p.Leu1944fs)

Gene: NF1 (neurofibromin 1; plus strand). Cytogenetic location: 17q11.2.
Variant type: Insertion.
Coding change: c.5829_5830insTG on transcript NM_001042492.3 (MANE Select); coding-DNA positions 5829 to 5830, TG inserted.
Protein change: p.Leu1944fs; shifts the reading frame from leucine 1944.
Molecular consequence: frameshift variant.
Genome position: GRCh38 VCF-style: chr17-31334854-C-CTG. GRCh37 (hg19) VCF-style: chr17-29661872-C-CTG.
Other names: c.5766_5767insTG, p.Leu1923Cysfs (NM_000267.4); short protein forms L1923fs, L1944fs.
Identifiers: ClinVar variation 825950 (VCV000825950.4), dbSNP rs1597840008, ClinGen allele CA915949874.
Genomic context (GRCh38, chr17:31,334,854, plus strand): 5'-GATTTTCATTGACCATCACATGCTAATAGTGTATTTTTTTCCAGGTATTGAATTGAAACA[C>CTG]CTTTGTTTGGAATACATGACTCCATGGCTGTCAAATCTAGTTCGTTTTTGCAAGCATAAT-3'